The following is an entry in ClinVar:

NM_005629.4(SLC6A8):c.395-3C>T

Gene: SLC6A8 (solute carrier family 6 member 8; plus strand). Cytogenetic location: Xq28.
Variant type: single nucleotide variant.
Coding change: c.395-3C>T on transcript NM_005629.4 (MANE Select); 3 bases into the intron before coding-DNA position 395, C replaced by T.
Molecular consequence: intron variant.
Genome position (GRCh38, 1-based): chrX:153,691,301, C>T. VCF-style: chrX-153691301-C-T. GRCh37 (hg19) VCF-style: chrX-152956756-C-T.
Other names: c.395-3C>T (NM_001142805.2); c.50-3C>T (NM_001142806.1).
Identifiers: ClinVar variation 2801412 (VCV002801412.3), dbSNP rs2522155646, ClinGen allele CA2695039869.

ClinVar aggregate classification (germline): Uncertain significance (1 of 4 stars; one submission).

Conditions:
Creatine transporter deficiency (CCDS1). Also called: Creatine Transporter (CRTR) Deficiency; Mental retardation , X-linked with seizures, short stature and midface hypoplasia; Mental retardation , X-linked, with creatine transport deficiency; X-linked creatine transporter deficiency; X-linked creatine deficiency syndrome; SLC6A8-Related Creatine Transporter Deficiency. Identifiers: Orphanet 52503, MedGen C1845862, MONDO:0010305, OMIM 300352.

Allele frequency attached by ClinVar (database versions not stated): gnomAD exomes below 0.00001.
gnomAD v4.1: 1 of 1,194,505 alleles (0.000084%); highest among the groups gnomAD compares: Non-Finnish European, 0.00011%; no homozygotes.

Submission:

Labcorp Genetics (formerly Invitae), Labcorp
Classification: Uncertain significance for Creatine transporter deficiency. Last evaluated: 2025-11-03. Review status: criteria provided, single submitter. Criteria: Invitae Variant Classification Sherloc (09022015). Collection method: clinical testing. Allele origin: germline.
Comment: This sequence change falls in intron 2 of the SLC6A8 gene. It does not directly change the encoded amino acid sequence of the SLC6A8 protein. It affects a nucleotide within the consensus splice site. This variant is not present in population databases (gnomAD no frequency). This variant has not been reported in the literature in individuals affected with SLC6A8-related conditions. ClinVar contains an entry for this variant (Variation ID: 2801412). Variants that disrupt the consensus splice site are a relatively common cause of aberrant splicing (PMID: 17576681, 9536098). Algorithms developed to predict the effect of sequence changes on RNA splicing suggest that this variant is not likely to affect RNA splicing. In summary, the available evidence is currently insufficient to determine the role of this variant in disease. Therefore, it has been classified as a Variant of Uncertain Significance.

Literature cited by the submitters: PubMed 17576681; PubMed 9536098.